The following is an entry in ClinVar:

NM_000051.4(ATM):c.2638+9A>T

Gene: ATM (ATM serine/threonine kinase; plus strand). Cytogenetic location: 11q22.3.
Variant type: single nucleotide variant.
Coding change: c.2638+9A>T on transcript NM_000051.4 (MANE Select); 9 bases into the intron after coding-DNA position 2638, A replaced by T.
Molecular consequence: intron variant.
Genome position (GRCh38, 1-based): chr11:108,267,351, A>T. VCF-style: chr11-108267351-A-T. GRCh37 (hg19) VCF-style: chr11-108138078-A-T.
Other names: c.2638+9A>T (NM_001351834.2, NM_000051.3).
Identifiers: ClinVar variation 1119556 (VCV001119556.12), dbSNP rs761592414, ClinGen allele CA671407091.

ClinVar aggregate classification (germline): Likely benign. Review status: criteria provided, multiple submitters, no conflicts (2 of 4 stars). 3 submissions from 3 submitters: Likely benign (2). 1 of the submissions does not count toward it. Last evaluated 2025-08-24.

Conditions:
ATM-related disorder. Also called: ATM-related disorders; ATM-related condition.
Familial cancer of breast. Also called: BREAST CANCER, FAMILIAL; Hereditary breast cancer; hereditary breast carcinoma. Identifiers: Orphanet 227535, MedGen C0346153, MONDO:0016419, OMIM 114480. Disease mechanism: loss of function.
Ataxia-telangiectasia syndrome (AT). Also called: Ataxia-telangiectasia, complementation group E; Cerebello-oculocutaneous telangiectasia; Immunodeficiency with ataxia telangiectasia; AT, COMPLEMENTATION GROUP C; Ataxia-telangiectasia, complementation group D; Ataxia telangiectasia (A-T). Identifiers: Orphanet 100, MedGen C0004135, MONDO:0008840, OMIM 208900.

gnomAD v4.1: 1 of 1,612,678 alleles (0.000062%); highest among the groups gnomAD compares: African/African-American, 0.0013%; no homozygotes.

Submissions (3):

Labcorp Genetics (formerly Invitae), Labcorp
Classification: Likely benign for Ataxia-telangiectasia syndrome. Last evaluated: 2025-08-24. Review status: criteria provided, single submitter. Criteria: Invitae Variant Classification Sherloc (09022015). Collection method: clinical testing. Allele origin: germline.

Myriad Genetics, Inc.
Classification: Likely benign for Familial cancer of breast. Last evaluated: 2024-05-10. Review status: criteria provided, single submitter. Criteria: Myriad Autosomal Dominant, Autosomal Recessive and X-Linked Classification Criteria (2023). Collection method: clinical testing. Allele origin: unknown.
Comment: This variant is considered likely benign. This variant is intronic and is not expected to impact mRNA splicing.

PreventionGenetics, part of Exact Sciences
Classification: Likely benign for ATM-related condition. Last evaluated: 2022-05-26. Review status: no assertion criteria provided. Collection method: clinical testing. Allele origin: germline. Not counted in ClinVar's aggregate classification.
Comment: This variant is classified as likely benign based on ACMG/AMP sequence variant interpretation guidelines (Richards et al. 2015 PMID: 25741868, with internal and published modifications).